The following is an entry in ClinVar:

ClinVar aggregate classification (germline): Likely benign (1 of 4 stars; one submission).

Conditions:
Hereditary xanthinuria type 1 (XAN1). Identifiers: Orphanet 3467, Orphanet 93601, MedGen C0268118, MONDO:0010209, OMIM 278300.

Allele frequency attached by ClinVar (database versions not stated): gnomAD 0.00034 and 0.00057; gnomAD exomes 0.00076; TOPMed 0.00114; 1000 Genomes Project 30x 0.00219; 1000 Genomes Project 0.00260.
gnomAD v4.1: 92 of 161,862 alleles (0.057%); highest among the groups gnomAD compares: East Asian, 1.4%; 1 homozygote.

Submission:

Illumina Laboratory Services, Illumina
Classification: Likely benign for Hereditary xanthinuria type 1. Last evaluated: 2018-01-13. Review status: criteria provided, single submitter. Criteria: ICSL Variant Classification Criteria 13 December 2019. Collection method: clinical testing. Allele origin: germline.
Comment: This variant was observed in the ICSL laboratory as part of a predisposition screen in an ostensibly healthy population. It had not been previously curated by ICSL or reported in the Human Gene Mutation Database (HGMD: prior to June 1st, 2018), and was therefore a candidate for classification through an automated scoring system. Utilizing variant allele frequency, disease prevalence and penetrance estimates, and inheritance mode, an automated score was calculated to assess if this variant is too frequent to cause the disease. Based on the score and internal cut-off values, a variant classified as likely benign is not then subjected to further curation. The score for this variant resulted in a classification of likely benign for this disease.

NM_000379.4(XDH):c.*570G>C

Gene: XDH (xanthine dehydrogenase; minus strand). Cytogenetic location: 2p23.1.
Variant type: single nucleotide variant.
Coding change: c.*570G>C on transcript NM_000379.4 (MANE Select); 570 bases downstream of the stop codon, G replaced by C.
Molecular consequence: 3 prime UTR variant.
Genome position (GRCh38, 1-based): chr2:31,335,388, C>G on the plus strand (G>C on the coding strand, the complement: XDH is on the minus strand). VCF-style: chr2-31335388-C-G. GRCh37 (hg19) VCF-style: chr2-31558254-C-G.
Identifiers: ClinVar variation 895449 (VCV000895449.4), dbSNP rs117803955, ClinGen allele CA44710621.